The following is an entry in ClinVar:

ClinVar aggregate classification (germline): Uncertain significance (1 of 4 stars; one submission).

Conditions:
Fragile X syndrome. Also called: Fragile X syndrome, type A; MARKER X SYNDROME; MARTIN-BELL SYNDROME; MENTAL RETARDATION, X-LINKED, ASSOCIATED WITH marXq28; Fragile X Syndrome (FXS); X-LINKED MENTAL RETARDATION AND MACROORCHIDISM. Identifiers: Orphanet 449291, Orphanet 908, MedGen C0016667, MONDO:0010383, OMIM 300624. Disease mechanism: loss of function.

Submission:

Neuberg Centre For Genomic Medicine, NCGM
Classification: Uncertain significance for Fragile X syndrome. Review status: criteria provided, single submitter. Criteria: ACMG Guidelines, 2015. Collection method: clinical testing. Allele origin: germline. Inheritance: X-linked dominant inheritance. Affected: yes.
Comment: The observed missense c.838G>A(p.Glu280Lys) variant in FMR1 gene has not been reported previously as a pathogenic variant nor as a benign variant, to our knowledge. This variant is absent in gnomAD Exomes. The amino acid Glu at position 280 is changed to a Lys changing protein sequence and it might alter its composition and physico-chemical properties. The amino acid change p.Glu280Lys in FMR1 is predicted as conserved by GERP++ and PhyloP across 100 vertebrates. The variant is predicted as damaging by SIFT. For these reasons, this variant has been classified as Uncertain Significance.

NM_002024.6(FMR1):c.838G>A (p.Glu280Lys)

Gene: FMR1 (fragile X messenger ribonucleoprotein 1; plus strand). Cytogenetic location: Xq27.3.
Variant type: single nucleotide variant.
Coding change: c.838G>A on transcript NM_002024.6 (MANE Select); coding-DNA position 838, G replaced by A.
Protein change: p.Glu280Lys; replaces glutamic acid 280 with lysine.
Molecular consequence: missense variant. On other transcripts: non-coding transcript variant (2).
Genome position (GRCh38, 1-based): chrX:147,932,721, G>A. VCF-style: chrX-147932721-G-A. GRCh37 (hg19) VCF-style: chrX-147014240-G-A.
Other names: c.838G>A, p.Glu280Lys (NM_001185075.2, NM_001185076.2, NM_001185081.2 and 1 more transcripts); short protein forms E280K.
Identifiers: ClinVar variation 3242045 (VCV003242045.1), dbSNP rs2521364624.
Genomic context (GRCh38, chrX:147,932,721, plus strand): 5'-TTAAAATGTTTCCCCTTTTATTAGGATCAGGATGCAGTGAAAAAAGCTAGAAGCTTTCTC[G>A]AATTTGCTGAAGATGTAATACAAGTTCCAAGGAACTTAGTAGGTAAGTCAGAAGTATCTG-3'
Protein context (NP_002015.1, residues 270-290): DAVKKARSFL[Glu280Lys]FAEDVIQVPR